The following is an entry in ClinVar:

ClinVar aggregate classification (germline): Uncertain significance (1 of 4 stars; one submission).

Conditions:
Charcot-Marie-Tooth disease axonal type 2O. Also called: CHARCOT-MARIE-TOOTH NEUROPATHY, AXONAL, TYPE 2O; CHARCOT-MARIE-TOOTH DISEASE, AXONAL, AUTOSOMAL DOMINANT, TYPE 2O; Charcot-Marie-Tooth Neuropathy Type 2O; Charcot-Marie-Tooth disease, axonal, type 20. Identifiers: Orphanet 284232, MedGen C3280220, MONDO:0013644, OMIM 614228.

Submission:

Labcorp Genetics (formerly Invitae), Labcorp
Classification: Uncertain significance for Charcot-Marie-Tooth disease axonal type 2O. Last evaluated: 2025-06-09. Review status: criteria provided, single submitter. Criteria: Invitae Variant Classification Sherloc (09022015). Collection method: clinical testing. Allele origin: germline.
Comment: This sequence change falls in intron 71 of the DYNC1H1 gene. It does not directly change the encoded amino acid sequence of the DYNC1H1 protein. This variant is not present in population databases (gnomAD no frequency). This variant has not been reported in the literature in individuals affected with DYNC1H1-related conditions. ClinVar contains an entry for this variant (Variation ID: 3630280). Experimental studies and prediction algorithms are not available or were not evaluated, and the effect of this variant on mRNA splicing is currently unknown. In summary, the available evidence is currently insufficient to determine the role of this variant in disease. Therefore, it has been classified as a Variant of Uncertain Significance.

NM_001376.5(DYNC1H1):c.12902+36_12902+37insGGTTGGAATGGAGACAGTTGTGA

Gene: DYNC1H1 (dynein cytoplasmic 1 heavy chain 1; plus strand). Cytogenetic location: 14q32.31.
Variant type: Insertion.
Coding change: c.12902+36_12902+37insGGTTGGAATGGAGACAGTTGTGA on transcript NM_001376.5 (MANE Select); bases 36 to 37 of the intron after coding-DNA position 12902, GGTTGGAATGGAGACAGTTGTGA inserted.
Molecular consequence: intron variant.
Genome position: GRCh38 VCF-style: chr14-102044507-C-CTGGAATGGAGACAGTTGTGAGGT. GRCh37 (hg19) VCF-style: chr14-102510844-C-CTGGAATGGAGACAGTTGTGAGGT.
Identifiers: ClinVar variation 3630280 (VCV003630280.2).